The following is an entry in ClinVar:

NM_170606.3(KMT2C):c.11867A>T (p.Asp3956Val)

Gene: KMT2C (lysine methyltransferase 2C; minus strand). Cytogenetic location: 7q36.1.
Variant type: single nucleotide variant.
Coding change: c.11867A>T on transcript NM_170606.3 (MANE Select); coding-DNA position 11867, A replaced by T.
Protein change: p.Asp3956Val; replaces aspartic acid 3956 with valine.
Molecular consequence: missense variant.
Genome position (GRCh38, 1-based): chr7:152,156,003, T>A on the plus strand (A>T on the coding strand, the complement: KMT2C is on the minus strand). VCF-style: chr7-152156003-T-A. GRCh37 (hg19) VCF-style: chr7-151853088-T-A.
Other names: short protein forms D3956V.
Identifiers: ClinVar variation 5017368 (VCV005017368.1).

ClinVar aggregate classification (germline): Uncertain significance (1 of 4 stars; one submission).

Submission:

GeneDx
Classification: Uncertain significance. Last evaluated: 2026-03-26. Review status: criteria provided, single submitter. Criteria: GeneDx Variant Classification Process June 2021. Collection method: clinical testing. Allele origin: germline.
Comment: Not observed at significant frequency in large population cohorts (gnomAD); In silico analysis supports that this missense variant has a deleterious effect on protein structure/function; Has not been previously published as pathogenic or benign to our knowledge